The following is an entry in ClinVar:

ClinVar aggregate classification (germline): Pathogenic (1 of 4 stars; one submission).

Submission:

Labcorp Genetics (formerly Invitae), Labcorp
Classification: Pathogenic. Last evaluated: 2023-11-17. Review status: criteria provided, single submitter. Criteria: Invitae Variant Classification Sherloc (09022015). Collection method: clinical testing. Allele origin: germline.
Comment: This sequence change creates a premature translational stop signal (p.His136Glnfs*18) in the XPA gene. It is expected to result in an absent or disrupted protein product. Loss-of-function variants in XPA are known to be pathogenic (PMID: 27607234). This variant is not present in population databases (gnomAD no frequency). This variant has not been reported in the literature in individuals affected with XPA-related conditions. For these reasons, this variant has been classified as Pathogenic.

Literature cited by the submitters: PubMed 27607234.

NM_000380.4(XPA):c.408_409del (p.His136fs)

Gene: XPA (XPA, DNA damage recognition and repair factor; minus strand). Cytogenetic location: 9q22.33.
Variant type: Microsatellite.
Coding change: c.408_409del on transcript NM_000380.4 (MANE Select); coding-DNA positions 408 to 409, 2 bases deleted (CA; older notation c.408_409delCA).
Protein change: p.His136fs; shifts the reading frame from histidine 136.
Molecular consequence: frameshift variant. On other transcripts: non-coding transcript variant (4).
Genome position (GRCh38, 1-based): chr9:97,687,242-97,687,243, TG deleted on the plus strand (CA on the coding strand, the reverse complement: XPA is on the minus strand); deleting any 2 consecutive bases within chr9:97,687,242-97,687,246 gives the same sequence; the c. name uses the placement nearest the transcript's 3' end. VCF-style (leftmost placement, unchanged base first): chr9-97687241-TTG-T. GRCh37 (hg19) VCF-style: chr9-100449523-TTG-T.
Other names: c.282_283del, p.His94fs (NM_001354975.2); short protein forms H136fs, H94fs.
Identifiers: ClinVar variation 2843471 (VCV002843471.3), dbSNP rs2490221605, ClinGen allele CA2739264874.
Genomic context (GRCh38, chr9:97,687,241, plus strand): 5'-TTTTCTAAATCACAGTCTTTCAGAAGATATTCTTGTTTTGCCTCTGTTTTGGTTATAAGC[TTG>T]TGTTTATCATCAGCATCTCTGAAAACAGATTAAGTCCATTATATAAATTAGTTATTTTAA-3'